The following continues an entry in ClinVar:

NM_000169.3(GLA):c.593T>C (p.Ile198Thr)

ClinVar aggregate classification (germline): Conflicting classifications of pathogenicity. Pathogenic (3); Likely pathogenic (6); Uncertain significance (5).

Submissions 9 to 17 of 17:

Color Diagnostics, LLC DBA Color Health
Classification: Uncertain significance for Fabry disease. Last evaluated: 2025-06-30. Review status: criteria provided, single submitter. Criteria: ACMG Guidelines, 2015. Collection method: clinical testing. Allele origin: germline.
Comment: This missense variant replaces isoleucine with threonine at codon 198 in the substrate binding region of the GLA protein. Computational prediction suggests that this variant may have a deleterious impact on protein structure and function. Functional studies have shown that the variant may retain significant residual GLA enzyme activity in the range of 35%-60% compared to the wild type (PMID: 26415523, 31036492). This variant has been reported in individuals, both male and female, affected with Fabry disease (PMID: 21587323, 25511234, 25974833). It has also been reported in both infant and adult individuals with suspected diagnoses of Fabry disease (PMID: 25149322, 26415523, 31996269, 32802993, 36156392). It has been shown that this variant segregates with disease in five affected individuals from one family (PMID: 21587323). This variant has been identified in 2/181907 chromosomes, including 1 hemizygote, in the general population by the Genome Aggregation Database (gnomAD). Although there is a suspicion that this variant may be associated with disease, additional studies are necessary to determine the role of this variant in disease conclusively. Therefore, this variant is classified as a Variant of Uncertain Significance.

Revvity Omics, Revvity
Classification: Likely pathogenic. Last evaluated: 2025-06-23. Review status: criteria provided, single submitter. Criteria: ACMG Guidelines, 2015. Collection method: clinical testing. Allele origin: germline.

CeGaT Center for Human Genetics Tuebingen
Classification: Likely pathogenic. Last evaluated: 2025-01-01. Review status: criteria provided, single submitter. Criteria: CeGaT Center For Human Genetics Tuebingen Variant Classification Criteria Version 2. Collection method: clinical testing. Allele origin: germline. Affected: yes. Observed: 1 variant allele.
Comment: GLA: PM1, PM2, PS4:Moderate, PS3:Supporting

Genome-Nilou Lab
Classification: Pathogenic for Fabry disease. Last evaluated: 2021-07-15. Review status: criteria provided, single submitter. Criteria: ACMG Guidelines, 2015. Collection method: clinical testing. Allele origin: germline. Affected: no.

Broad Center for Mendelian Genomics, Broad Institute of MIT and Harvard
Classification: Uncertain significance for Fabry disease. Last evaluated: 2020-01-22. Review status: criteria provided, single submitter. Criteria: ACMG Guidelines, 2015. Collection method: curation. Allele origin: germline. Inheritance: X-linked inheritance.
Comment: The p.Ile198Thr variant in GLA has been reported in 2 males and 2 females with Fabry disease (PMID: 26415523, 25974833, 21587323), and has been identified in 0.0025% (2/81184) of European (non-Finnish) chromosomes, including 1 hemizygote, by the Genome Aggregation Database (gnomAD; dbSNP rs727503950). Although this variant has been seen in the general population, its frequency is low enough to be consistent with Fabry disease. Please note that for diseases with clinical variability, or reduced penetrance, pathogenic variants may be present at a low frequency in the general population. This variant has also been reported in ClinVar as likely pathogenic by EGL Genetic Diagnostics and the Albrecht-Kossel-Institute, and as a VUS by Invitae (Variation ID: 167142). In vitro functional studies provide some evidence that the p.Ile198Thr variant may slightly impact protein function (PMID: 26415523). However, these types of assays may not accurately represent biological function. Computational prediction tools and conservation analyses suggest that this variant will impact the protein, though this information is not predictive enough to determine pathogenicity. The phenotype of an individual hemizygous for this variant is highly specific for Fabry disease based the on classical phenotype consistent with disease (PMID: 21587323, 25149322, 26415523). In summary, while there is some suspicion for a pathogenic role, the clinical significance of this variant is uncertain. ACMG/AMP Criteria applied: PP3, PM2_supporting, PP4, PS3_supporting, PS4_supporting (Richards 2015).

X-linked inheritance (primarily recessive with milder female expression)

Eurofins Ntd Llc (ga)
Classification: Likely pathogenic. Last evaluated: 2017-10-24. Review status: criteria provided, single submitter. Criteria: EGL Classification Definitions 2015. Collection method: clinical testing. Allele origin: germline. Observed: 31 variant alleles, 20 heterozygotes, 11 hemizygotes.

PreventionGenetics, part of Exact Sciences
Classification: Uncertain significance for GLA-related condition. Last evaluated: 2024-03-22. Review status: no assertion criteria provided. Collection method: clinical testing. Allele origin: germline. Not counted in ClinVar's aggregate classification.
Comment: The GLA c.593T>C variant is predicted to result in the amino acid substitution p.Ile198Thr. This variant has been reported in individuals with reduced blood leukocyte alpha-galactosidase A enzyme activity both with and without clinical features of Fabry disease, suggesting it may have reduced penetrance or represent a pseudodeficiency allele (Echevarria et al. 2015. PubMed ID: 25974833; Houge et al. 2011. PubMed ID: 21587323; Pettazoni et al. 2017. PubMed ID: 28749998; Germain et al. 2015. PubMed ID: 25511234; Table S1, Auray-Blais et al. 2015. PubMed ID: 25149322). In vitro functional studies also showed this variant resulted in moderately reduced enzyme activity 40-64% of wild type (Lukas et al. 2015. PubMed ID: 26415523; Table S1, Benjamin et al. 2017. PubMed ID: 27657681). This variant is listed in ClinVar with conflicting interpretations of uncertain, likely pathogenic and pathogenic. This variant is reported in 0.0025% of alleles in individuals of European (Non-Finnish) descent in gnomAD. At this time, the clinical significance of this variant is uncertain due to the absence of conclusive functional and genetic evidence.

Albrecht-Kossel-Institute, Medical University Rostock
Classification: Likely pathogenic for Fabry's disease. Last evaluated: 2014-01-01. Review status: no assertion criteria provided. Collection method: research. Allele origin: inherited. Not counted in ClinVar's aggregate classification.

Albrecht-Kossel-Institute, Medical University Rostock
Classification: drug response for deoxygalactonojirimycin response. Last evaluated: 2014-01-01. Review status: no assertion criteria provided. Collection method: research. Allele origin: inherited. Not counted in ClinVar's aggregate classification.

Literature cited by the submitters: PubMed 39343861 (cited by Genomenon, Inc and Ambry Genetics); PubMed 25974833 (cited by 8 submitters); PubMed 26415523 (cited by 9 submitters); PubMed 36156392 (cited by Genomenon, Inc and Color Diagnostics, LLC DBA Color Health); PubMed 28749998 (cited by 5 submitters); PubMed 39669636 (cited by Genomenon, Inc and Ambry Genetics); PubMed 21587323 (cited by 8 submitters); PubMed 31996269 (cited by 4 submitters); PubMed 25511234 (cited by 5 submitters); PubMed 32023956 (cited by Genomenon, Inc and Ambry Genetics); PubMed 31036492 (cited by 5 submitters); PubMed 32802993 (cited by 3 submitters); PubMed 27657681 (cited by 3 submitters); PubMed 38739391 (cited by Genomenon, Inc and Natera, Inc.); PubMed 32418857 (cited by Genomenon, Inc and Myriad Genetics, Inc.); PubMed 25149322 (cited by 8 submitters); PubMed 29476735 (cited by Ambry Genetics and Women's Health and Genetics/Laboratory Corporation of America, LabCorp); PubMed 30853972 (cited by Ambry Genetics); PubMed 37441486 (cited by Ambry Genetics); PubMed 40138980 (cited by Ambry Genetics); PubMed 41465551 (cited by Ambry Genetics); PubMed 42290669 (cited by Ambry Genetics).